The following is an entry in ClinVar:

NM_052867.4(NALCN):c.2757+6G>A

Gene: NALCN (sodium leak channel, non-selective; minus strand). Cytogenetic location: 13q33.1.
Variant type: single nucleotide variant.
Coding change: c.2757+6G>A on transcript NM_052867.4 (MANE Select); 6 bases into the intron after coding-DNA position 2757, G replaced by A.
Molecular consequence: intron variant.
Genome position (GRCh38, 1-based): chr13:101,104,524, C>T on the plus strand (G>A on the coding strand, the complement: NALCN is on the minus strand). VCF-style: chr13-101104524-C-T. GRCh37 (hg19) VCF-style: chr13-101756875-C-T.
Other names: c.2670+6G>A (NM_001350751.2, NM_001350750.2); c.2757+6G>A (NM_001350749.2); c.2844+6G>A (NM_001350748.2).
Identifiers: ClinVar variation 2238865 (VCV002238865.4), dbSNP rs370947153, ClinGen allele CA7035603.

ClinVar aggregate classification (germline): Uncertain significance. Review status: criteria provided, multiple submitters, no conflicts (2 of 4 stars). 2 submissions from 2 submitters: Uncertain significance (2). Last evaluated 2024-10-31.

Conditions:
Inborn genetic diseases. Identifiers: MedGen C0950123, MeSH D030342.

Allele frequency attached by ClinVar (database versions not stated): TOPMed 0.00003; gnomAD 0.00005; ESP Exome Variant Server 0.00008; ExAC 0.00002; gnomAD exomes 0.00003.
gnomAD v4.1: 45 of 1,613,756 alleles (0.0028%); highest among the groups gnomAD compares: African/African-American, 0.0093%; no homozygotes.

Submissions (2):

Labcorp Genetics (formerly Invitae), Labcorp
Classification: Uncertain significance. Last evaluated: 2024-10-31. Review status: criteria provided, single submitter. Criteria: Invitae Variant Classification Sherloc (09022015). Collection method: clinical testing. Allele origin: germline.
Comment: This sequence change falls in intron 24 of the NALCN gene. It does not directly change the encoded amino acid sequence of the NALCN protein. It affects a nucleotide within the consensus splice site. This variant is present in population databases (rs370947153, gnomAD 0.02%). This variant has not been reported in the literature in individuals affected with NALCN-related conditions. ClinVar contains an entry for this variant (Variation ID: 2238865). Variants that disrupt the consensus splice site are a relatively common cause of aberrant splicing (PMID: 17576681, 9536098). Algorithms developed to predict the effect of sequence changes on RNA splicing suggest that this variant is not likely to affect RNA splicing. In summary, the available evidence is currently insufficient to determine the role of this variant in disease. Therefore, it has been classified as a Variant of Uncertain Significance.

Ambry Genetics
Classification: Uncertain significance for Inborn genetic diseases. Last evaluated: 2021-08-31. Review status: criteria provided, single submitter. Criteria: Ambry Variant Classification Scheme 2023. Collection method: clinical testing. Allele origin: germline.
Comment: Unlikely to be causative of congenital contractures of the limbs and face, hypotonia, and developmental delay (AD) Based on insufficient or conflicting evidence, the clinical significance of this alteration remains unclear.

Literature cited by the submitters: PubMed 17576681 (cited by Labcorp Genetics (formerly Invitae), Labcorp); PubMed 9536098 (cited by Labcorp Genetics (formerly Invitae), Labcorp).